The following is an entry in ClinVar:

ClinVar aggregate classification (germline): Likely pathogenic (1 of 4 stars; one submission).

Conditions:
Aspartylglucosaminuria (AGU). Also called: AGA DEFICIENCY; GLYCOASPARAGINASE; GLYCOSYLASPARAGINASE DEFICIENCY; Aspartylglucos-aminuria; Aspartylglucos-amidase (AGA) deficiency. Identifiers: Orphanet 93, MedGen C0268225, MONDO:0008830, OMIM 208400, HP:0012068.

Submission:

Natera, Inc.
Classification: Likely pathogenic for Aspartylglucosaminuria. Last evaluated: 2026-01-26. Review status: criteria provided, single submitter. Criteria: Natera Variant Classification Schema (03/2026). Collection method: clinical testing. Allele origin: germline.
Comment: The c.703_705delinsCT variant in AGA is a frameshift variant predicted to shift the reading frame beginning at codon 235 and leads to a stop codon 29 codons downstream. This variant is expected to result in nonsense mediated decay, truncation, or a dysfunctional protein product. This variant is rare in the general population with a frequency below the threshold expected for the associated phenotype(s). Given the available evidence, this variant is classified as Likely Pathogenic.

NM_000027.4(AGA):c.703_705delinsCT (p.Val235fs)

Gene: AGA (aspartylglucosaminidase; minus strand). Cytogenetic location: 4q34.3.
Variant type: Indel.
Coding change: c.703_705delinsCT on transcript NM_000027.4 (MANE Select); coding-DNA positions 703 to 705, GTA replaced by CT.
Protein change: p.Val235fs; shifts the reading frame from valine 235.
Molecular consequence: frameshift variant. On other transcripts: non-coding transcript variant (1), splice acceptor variant (1).
Genome position (GRCh38, 1-based): chr4:177,434,483-177,434,485, TAC replaced by AG on the plus strand (GTA replaced by CT on the coding strand, the reverse complement: AGA is on the minus strand). VCF-style: chr4-177434483-TAC-AG. GRCh37 (hg19) VCF-style: chr4-178355637-TAC-AG.
Other names: c.677-4_677-2delinsCT (NM_001171988.2); short protein forms V235fs.
Identifiers: ClinVar variation 4817934 (VCV004817934.1).
Genomic context (GRCh38, chr4:177,434,483, plus strand): 5'-TGCGGCTGCCCCTGCAGTATCGTCAGCATAGGCTCCAGCTCCAGGTATTGGTGAGTCTCC[TAC>AG]ACGGCTTTGAGAGGGTATTAACAATTTACGGCAGGAAATCGAGTGTAAAACACATTAAGT-3'